The following is an entry in ClinVar:

ClinVar aggregate classification (germline): Uncertain significance (1 of 4 stars; one submission).

Submission:

GeneDx
Classification: Uncertain significance. Last evaluated: 2022-12-07. Review status: criteria provided, single submitter. Criteria: GeneDx Variant Classification Process June 2021. Collection method: clinical testing. Allele origin: germline. Affected: yes.
Comment: Not observed at significant frequency in large population cohorts (gnomAD); In silico analysis supports that this missense variant does not alter protein structure/function; Has not been previously published as pathogenic or benign to our knowledge

NM_001170629.2(CHD8):c.620C>G (p.Thr207Ser)

Gene: CHD8 (chromodomain helicase DNA binding protein 8; minus strand). Cytogenetic location: 14q11.2.
Variant type: single nucleotide variant.
Coding change: c.620C>G on transcript NM_001170629.2 (MANE Select); coding-DNA position 620, C replaced by G.
Protein change: p.Thr207Ser; replaces threonine 207 with serine.
Molecular consequence: missense variant. On other transcripts: intron variant (1).
Genome position (GRCh38, 1-based): chr14:21,431,024, G>C on the plus strand (C>G on the coding strand, the complement: CHD8 is on the minus strand). VCF-style: chr14-21431024-G-C. GRCh37 (hg19) VCF-style: chr14-21899183-G-C.
Other names: c.6+787C>G (NM_020920.4); short protein forms T207S.
Identifiers: ClinVar variation 2505003 (VCV002505003.1), dbSNP rs2502014972, ClinGen allele CA388887757.